The following is an entry in ClinVar:

ClinVar aggregate classification (germline): Likely benign (1 of 4 stars; one submission).

Allele frequency attached by ClinVar (database versions not stated): gnomAD exomes below 0.00001.
gnomAD v4.1: 4 of 1,210,437 alleles (0.00033%); highest among the groups gnomAD compares: Middle Eastern, 0.023%; no homozygotes.

Submission:

CeGaT Center for Human Genetics Tuebingen
Classification: Likely benign. Last evaluated: 2024-07-01. Review status: criteria provided, single submitter. Criteria: CeGaT Center For Human Genetics Tuebingen Variant Classification Criteria Version 2. Collection method: clinical testing. Allele origin: germline. Affected: yes. Observed: 2 variant alleles.
Comment: DGKK: BP4

NM_001013742.4(DGKK):c.2592T>C (p.Ile864=)

Gene: DGKK (diacylglycerol kinase kappa; minus strand). Cytogenetic location: Xp11.22.
Variant type: single nucleotide variant.
Coding change: c.2592T>C on transcript NM_001013742.4 (MANE Select); coding-DNA position 2592, T replaced by C.
Protein change: p.Ile864=; no amino-acid change (isoleucine 864 retained).
Molecular consequence: synonymous variant.
Genome position (GRCh38, 1-based): chrX:50,382,561, A>G on the plus strand (T>C on the coding strand, the complement: DGKK is on the minus strand). VCF-style: chrX-50382561-A-G. GRCh37 (hg19) VCF-style: chrX-50125559-A-G.
Identifiers: ClinVar variation 2660551 (VCV002660551.24), dbSNP rs1569544183, ClinGen allele CA516416755.